The following is an entry in ClinVar:

NM_032634.4(PIGO):c.437T>G (p.Phe146Cys)

Gene: PIGO (phosphatidylinositol glycan anchor biosynthesis class O; minus strand). Cytogenetic location: 9p13.3.
Variant type: single nucleotide variant.
Coding change: c.437T>G on transcript NM_032634.4 (MANE Select); coding-DNA position 437, T replaced by G.
Protein change: p.Phe146Cys; replaces phenylalanine 146 with cysteine.
Molecular consequence: missense variant.
Genome position (GRCh38, 1-based): chr9:35,095,129, A>C on the plus strand (T>G on the coding strand, the complement: PIGO is on the minus strand). VCF-style: chr9-35095129-A-C. GRCh37 (hg19) VCF-style: chr9-35095126-A-C.
Other names: c.437T>G, p.Phe146Cys (NM_001201484.2, NM_152850.4); short protein forms F146C.
Identifiers: ClinVar variation 1485992 (VCV001485992.8), dbSNP rs2131083426, ClinGen allele CA373324299.
Genomic context (GRCh38, chr9:35,095,129, plus strand): 5'-TGCTTAATGAGATTGTCTTCCACTATGGCGTGGCTGGCGAAGTTACTACCAGCATCAATA[A>C]AGGTAGGCAGTGAGCCAGTGGTGAGGGCCTTGAGGCGCTGCATGGTGGTGGTAGGAGGGT-3'
Protein context (NP_116023.2, residues 136-156): KALTTGSLPT[Phe146Cys]IDAGSNFASH

ClinVar aggregate classification (germline): Uncertain significance (1 of 4 stars; one submission).

Conditions:
Hyperphosphatasia with impaired intellectual development syndrome 2. Also called: Hyperphosphatasia with intellectual disability syndrome 2; GLYCOSYLPHOSPHATIDYLINOSITOL BIOSYNTHESIS DEFECT 6. Identifiers: Orphanet 247262, MedGen C3553637, MONDO:0013882, OMIM 614749.

Submission:

Labcorp Genetics (formerly Invitae), Labcorp
Classification: Uncertain significance for Hyperphosphatasia with impaired intellectual development syndrome 2. Last evaluated: 2021-04-24. Review status: criteria provided, single submitter. Criteria: Invitae Variant Classification Sherloc (09022015). Collection method: clinical testing. Allele origin: germline.
Comment: In summary, the available evidence is currently insufficient to determine the role of this variant in disease. Therefore, it has been classified as a Variant of Uncertain Significance. Algorithms developed to predict the effect of missense changes on protein structure and function (SIFT, PolyPhen-2, Align-GVGD) all suggest that this variant is likely to be disruptive, but these predictions have not been confirmed by published functional studies and their clinical significance is uncertain. This variant has not been reported in the literature in individuals with PIGO-related conditions. This variant is not present in population databases (ExAC no frequency). This sequence change replaces phenylalanine with cysteine at codon 146 of the PIGO protein (p.Phe146Cys). The phenylalanine residue is highly conserved and there is a large physicochemical difference between phenylalanine and cysteine.